The following is an entry in ClinVar:

ClinVar aggregate classification (germline): Uncertain significance (1 of 4 stars; one submission).

Submission:

Labcorp Genetics (formerly Invitae), Labcorp
Classification: Uncertain significance. Last evaluated: 2024-04-18. Review status: criteria provided, single submitter. Criteria: Invitae Variant Classification Sherloc (09022015). Collection method: clinical testing. Allele origin: germline.
Comment: This sequence change falls in intron 21 of the COL11A2 gene. It does not directly change the encoded amino acid sequence of the COL11A2 protein. This variant is not present in population databases (gnomAD no frequency). This variant has not been reported in the literature in individuals affected with COL11A2-related conditions. Algorithms developed to predict the effect of sequence changes on RNA splicing suggest that this variant may disrupt the consensus splice site. In summary, the available evidence is currently insufficient to determine the role of this variant in disease. Therefore, it has been classified as a Variant of Uncertain Significance.

NM_080680.3(COL11A2):c.1873-4del

Gene: COL11A2 (collagen type XI alpha 2 chain; minus strand). Cytogenetic location: 6p21.32.
Variant type: Deletion.
Coding change: c.1873-4del on transcript NM_080680.3 (MANE Select); 4 bases into the intron before coding-DNA position 1873, one base deleted (T; older notation c.1873-4delT).
Molecular consequence: intron variant.
Genome position (GRCh38, 1-based): chr6:33,177,710, A deleted on the plus strand (T on the coding strand, the reverse complement: COL11A2 is on the minus strand); the first of 3 consecutive A bases (chr6:33,177,710-33,177,712); deleting any one gives the same sequence. VCF-style (leftmost placement, unchanged base first): chr6-33177709-GA-G. GRCh37 (hg19) VCF-style: chr6-33145486-GA-G.
Other names: c.847-4del (NM_001424111.1, NM_001424110.1); c.1552-4del (NM_080679.3); c.1615-4del (NM_080681.3); c.1693-4del (NM_001424108.1); c.1027-4del (NM_001424109.1).
Identifiers: ClinVar variation 3649346 (VCV003649346.2).